The following is an entry in ClinVar:

NM_000532.5(PCCB):c.40C>T (p.Leu14Phe)

Gene: PCCB (propionyl-CoA carboxylase subunit beta; plus strand). Cytogenetic location: 3q22.3.
Variant type: single nucleotide variant.
Coding change: c.40C>T on transcript NM_000532.5 (MANE Select); coding-DNA position 40, C replaced by T.
Protein change: p.Leu14Phe; replaces leucine 14 with phenylalanine.
Molecular consequence: missense variant.
Genome position (GRCh38, 1-based): chr3:136,250,415, C>T. VCF-style: chr3-136250415-C-T. GRCh37 (hg19) VCF-style: chr3-135969257-C-T.
Other names: c.40C>T (NM_000532.4); c.40C>T, p.Leu14Phe (NM_001178014.2); short protein forms L14F.
Identifiers: ClinVar variation 1487099 (VCV001487099.6), dbSNP rs1215705998, ClinGen allele CA354737875.

ClinVar aggregate classification (germline): Uncertain significance. Review status: criteria provided, multiple submitters, no conflicts (2 of 4 stars). 3 submissions from 3 submitters: Uncertain significance (3). Last evaluated 2025-09-28.

Conditions:
Inborn genetic diseases. Identifiers: MedGen C0950123, MeSH D030342.
Propionic acidemia (PROP). Also called: GLYCINEMIA, KETOTIC; HYPERGLYCINEMIA WITH KETOACIDOSIS AND LEUKOPENIA; KETOTIC HYPERGLYCINEMIA. Identifiers: Orphanet 35, MedGen C0268579, MONDO:0011628, OMIM 606054, HP:0003571.

Allele frequency attached by ClinVar (database versions not stated): TOPMed 0.00001.
gnomAD v4.1: 23 of 1,581,956 alleles (0.0015%); highest among the groups gnomAD compares: Admixed American, 0.0036%; no homozygotes.

Submissions (3):

Ambry Genetics
Classification: Uncertain significance for Inborn genetic diseases. Last evaluated: 2025-09-28. Review status: criteria provided, single submitter. Criteria: Ambry Variant Classification Scheme 2023. Collection method: clinical testing. Allele origin: germline.

Revvity Omics, Revvity
Classification: Uncertain significance for Propionic acidemia. Last evaluated: 2022-08-16. Review status: criteria provided, single submitter. Criteria: ACMG Guidelines, 2015. Collection method: clinical testing. Allele origin: germline.

Labcorp Genetics (formerly Invitae), Labcorp
Classification: Uncertain significance for Propionic acidemia. Last evaluated: 2021-11-14. Review status: criteria provided, single submitter. Criteria: Invitae Variant Classification Sherloc (09022015). Collection method: clinical testing. Allele origin: germline.
Comment: This sequence change replaces leucine, which is neutral and non-polar, with phenylalanine, which is neutral and non-polar, at codon 14 of the PCCB protein (p.Leu14Phe). This variant is present in population databases (no rsID available, gnomAD 0.005%). This variant has not been reported in the literature in individuals affected with PCCB-related conditions. Advanced modeling of protein sequence and biophysical properties (such as structural, functional, and spatial information, amino acid conservation, physicochemical variation, residue mobility, and thermodynamic stability) performed at Invitae indicates that this missense variant is not expected to disrupt PCCB protein function. Algorithms developed to predict the effect of sequence changes on RNA splicing suggest that this variant may create or strengthen a splice site. In summary, the available evidence is currently insufficient to determine the role of this variant in disease. Therefore, it has been classified as a Variant of Uncertain Significance.